The following is an entry in ClinVar:

NM_020549.5(CHAT):c.614A>G (p.Asn205Ser)

Gene: CHAT (choline O-acetyltransferase; plus strand). Cytogenetic location: 10q11.23.
Variant type: single nucleotide variant.
Coding change: c.614A>G on transcript NM_020549.5 (MANE Select); coding-DNA position 614, A replaced by G.
Protein change: p.Asn205Ser; replaces asparagine 205 with serine.
Molecular consequence: missense variant.
Genome position (GRCh38, 1-based): chr10:49,620,529, A>G. VCF-style: chr10-49620529-A-G. GRCh37 (hg19) VCF-style: chr10-50828575-A-G.
Other names: c.260A>G, p.Asn87Ser (NM_001142929.2, NM_001142934.2, NM_020984.4 and 2 more transcripts); c.368A>G, p.Asn123Ser (NM_001142933.2); short protein forms N205S, N87S, N123S.
Identifiers: ClinVar variation 1515098 (VCV001515098.8), dbSNP rs2132712941, ClinGen allele CA376727459.

ClinVar aggregate classification (germline): Uncertain significance (1 of 4 stars; one submission).

Conditions:
Familial infantile myasthenia (CMS6). Also called: Congenital myasthenic syndrome type 6; MYASTHENIC SYNDROME, CONGENITAL, 6, PRESYNAPTIC; MYASTHENIC SYNDROME, PRESYNAPTIC, CONGENITAL, ASSOCIATED WITH EPISODIC APNEA. Identifiers: Orphanet 590, MedGen C0393929, MONDO:0009689, OMIM 254210.

Submission:

Labcorp Genetics (formerly Invitae), Labcorp
Classification: Uncertain significance for Familial infantile myasthenia. Last evaluated: 2021-03-08. Review status: criteria provided, single submitter. Criteria: Invitae Variant Classification Sherloc (09022015). Collection method: clinical testing. Allele origin: germline.
Comment: This variant is not present in population databases (ExAC no frequency). In summary, the available evidence is currently insufficient to determine the role of this variant in disease. Therefore, it has been classified as a Variant of Uncertain Significance. Algorithms developed to predict the effect of sequence changes on RNA splicing suggest that this variant may create or strengthen a splice site, but this prediction has not been confirmed by published transcriptional studies. Advanced modeling of protein sequence and biophysical properties (such as structural, functional, and spatial information, amino acid conservation, physicochemical variation, residue mobility, and thermodynamic stability) performed at Invitae indicates that this missense variant is not expected to disrupt CHAT protein function. This variant has not been reported in the literature in individuals with CHAT-related conditions. This sequence change replaces asparagine with serine at codon 205 of the CHAT protein (p.Asn205Ser). The asparagine residue is moderately conserved and there is a small physicochemical difference between asparagine and serine.